The following is an entry in ClinVar:

ClinVar aggregate classification (germline): Uncertain significance. Review status: criteria provided, multiple submitters, no conflicts (2 of 4 stars). 4 submissions from 4 submitters: Uncertain significance (4). Last evaluated 2025-11-10.

Conditions:
Retinitis pigmentosa (RP). Identifiers: Orphanet 791, MedGen C0035334, MeSH D012174, MONDO:0019200, OMIM 268000. Inheritance: Autosomal dominant, autosomal recessive and X linked inheritance.

Allele frequency attached by ClinVar (database versions not stated): TOPMed 0.00024; gnomAD 0.00028 and 0.00026; gnomAD exomes 0.00029 and 0.00025; ESP Exome Variant Server 0.00031; ExAC 0.00019.
gnomAD v4.1: 468 of 1,614,048 alleles (0.029%); highest among the groups gnomAD compares: Non-Finnish European, 0.036%; no homozygotes.

Submissions (4):

Labcorp Genetics (formerly Invitae), Labcorp
Classification: Uncertain significance. Last evaluated: 2025-11-10. Review status: criteria provided, single submitter. Criteria: Invitae Variant Classification Sherloc (09022015). Collection method: clinical testing. Allele origin: germline.
Comment: This sequence change replaces alanine, which is neutral and non-polar, with threonine, which is neutral and polar, at codon 265 of the ROM1 protein (p.Ala265Thr). This variant is present in population databases (rs200272942, gnomAD 0.05%), and has an allele count higher than expected for a pathogenic variant. This missense change has been observed in individual(s) with retinitis pigmentosa (PMID: 9331261). ClinVar contains an entry for this variant (Variation ID: 857908). Invitae Evidence Modeling of protein sequence and biophysical properties (such as structural, functional, and spatial information, amino acid conservation, physicochemical variation, residue mobility, and thermodynamic stability) indicates that this missense variant is not expected to disrupt ROM1 protein function with a negative predictive value of 80%. In summary, the available evidence is currently insufficient to determine the role of this variant in disease. Therefore, it has been classified as a Variant of Uncertain Significance.

Blueprint Genetics
Classification: Uncertain significance. Last evaluated: 2024-09-18. Review status: criteria provided, single submitter. Criteria: ACMG Guidelines, 2015. Collection method: clinical testing. Allele origin: germline.

Illumina Laboratory Services, Illumina
Classification: Uncertain significance for Retinitis pigmentosa. Last evaluated: 2017-04-27. Review status: criteria provided, single submitter. Criteria: ICSL Variant Classification Criteria 13 December 2019. Collection method: clinical testing. Allele origin: germline.
Comment: This variant was observed as part of a predisposition screen in an ostensibly healthy population. A literature search was performed for the gene, cDNA change, and amino acid change (where applicable). Publications were found based on this search. However, the evidence from the literature, in combination with allele frequency data from public databases where available, was not sufficient to rule this variant in or out of causing disease. Therefore, this variant is classified as a variant of unknown significance.

Breakthrough Genomics
Classification: Uncertain significance. Review status: criteria provided, single submitter. Criteria: ACMG Guidelines, 2015. Collection method: not provided. Allele origin: germline. Inheritance: Autosomal recessive inheritance. Affected: yes.

Literature cited by the submitters: PubMed 9331261 (cited by Labcorp Genetics (formerly Invitae), Labcorp and Illumina Laboratory Services, Illumina); PubMed 7904211 (cited by Illumina Laboratory Services, Illumina).

NM_000327.4(ROM1):c.793G>A (p.Ala265Thr)

Gene: ROM1 (retinal outer segment membrane protein 1; plus strand). Cytogenetic location: 11q12.3.
Variant type: single nucleotide variant.
Coding change: c.793G>A on transcript NM_000327.4 (MANE Select); coding-DNA position 793, G replaced by A.
Protein change: p.Ala265Thr; replaces alanine 265 with threonine.
Molecular consequence: missense variant.
Genome position (GRCh38, 1-based): chr11:62,614,460, G>A. VCF-style: chr11-62614460-G-A. GRCh37 (hg19) VCF-style: chr11-62381932-G-A.
Other names: short protein forms A265T.
Identifiers: ClinVar variation 857908 (VCV000857908.13), dbSNP rs200272942, ClinGen allele CA6049835.
Genomic context (GRCh38, chr11:62,614,460, plus strand): 5'-AACCAAAACCTCTGGGCCCAAGGGTGCCATGAGGTGCTGCTGGAGCACTTGCAGGACTTG[G>A]CAGGCACACTGGGTAGCATGCTGGCTGTCACCTTCCTACTGCAGGTGAGTCAGCAAAGCA-3'
Protein context (NP_000318.2, residues 255-275): EVLLEHLQDL[Ala265Thr]GTLGSMLAVT